The following is an entry in ClinVar:

NM_003072.5(SMARCA4):c.1594-2A>G

Gene: SMARCA4 (SWI/SNF related BAF chromatin remodeling complex subunit ATPase 4; plus strand). Cytogenetic location: 19p13.2.
Variant type: single nucleotide variant.
Coding change: c.1594-2A>G on transcript NM_003072.5 (MANE Select); the canonical splice acceptor site of the intron before coding-DNA position 1594, A replaced by G.
Molecular consequence: splice acceptor variant.
Genome position (GRCh38, 1-based): chr19:10,996,211, A>G. VCF-style: chr19-10996211-A-G. GRCh37 (hg19) VCF-style: chr19-11106887-A-G.
Other names: c.1594-2A>G (NM_001128844.3, NM_001128849.3, NM_001128847.4 and 6 more transcripts).
Identifiers: ClinVar variation 4864776 (VCV004864776.1).

ClinVar aggregate classification (germline): Likely pathogenic (1 of 4 stars; one submission).

Conditions:
Hereditary cancer-predisposing syndrome. Also called: Neoplastic Syndromes, Hereditary; Tumor predisposition; Hereditary Cancer Syndrome; Hereditary neoplastic syndrome. Identifiers: Orphanet 140162, MedGen C0027672, MeSH D009386, MONDO:0015356.

Submission:

Ambry Genetics
Classification: Likely pathogenic for Hereditary cancer-predisposing syndrome. Last evaluated: 2026-05-06. Review status: criteria provided, single submitter. Criteria: Ambry Variant Classification Scheme 2023. Collection method: clinical testing. Allele origin: germline.
Comment: The c.1594-2A>G intronic variant results from an A to G substitution two nucleotides upstream from coding exon 9 in the SMARCA4 gene. This variant is considered to be rare based on population cohorts in the Genome Aggregation Database (gnomAD). This nucleotide position is highly conserved in available vertebrate species. In silico splice site analysis predicts that this alteration will weaken the native splice acceptor site and will result in the creation or strengthening of a novel splice acceptor site. RNA studies have demonstrated that this variant results in abnormal splicing in the set of samples tested (Ambry internal data). Loss-of-function variants in SMARCA4 are known to cause rhabdoid tumor predisposition syndrome including small cell carcinoma of the ovary-hypercalcemic type (SCCOHT); however, such associations with neurodevelopmental disorders are exceedingly rare (Kosho T et al. Am J Med Genet C Semin Med Genet. 2014 Sep;166C(3):262-75; Jelinic P et al. Nat Genet. 2014 May;46(5):424-6). Variants that disrupt the canonical splice site are expected to cause aberrant splicing, resulting in an abnormal protein or a transcript that is subject to nonsense-mediated mRNA decay. Based on the supporting evidence, this variant is likely pathogenic for rhabdoid tumor predisposition syndrome; however, the association of this variant with Coffin-Siris syndrome is unlikely.